The following is an entry in ClinVar:

ClinVar aggregate classification (germline): Pathogenic (1 of 4 stars; one submission).

Conditions:
3-methylcrotonyl-CoA carboxylase 1 deficiency (MCC1D). Also called: MCCD TYPE 1; METHYLCROTONYLGLYCINURIA TYPE I; MCC 1 deficiency; 3 Alpha methylcrotonylglycinuria 1. Identifiers: Orphanet 6, MedGen CN028786, MONDO:0008861, OMIM 210200.

Submission:

Labcorp Genetics (formerly Invitae), Labcorp
Classification: Pathogenic for 3-methylcrotonyl-CoA carboxylase 1 deficiency. Last evaluated: 2023-07-19. Review status: criteria provided, single submitter. Criteria: Invitae Variant Classification Sherloc (09022015). Collection method: clinical testing. Allele origin: germline.
Comment: This variant is not present in population databases (gnomAD no frequency). This sequence change creates a premature translational stop signal (p.Ser220Thrfs*15) in the MCCC1 gene. It is expected to result in an absent or disrupted protein product. Loss-of-function variants in MCCC1 are known to be pathogenic (PMID: 11181649, 15359379, 22642865). This premature translational stop signal has been observed in individual(s) with 3-methylcrotonyl-CoA carboxylase deficiency (PMID: 22642865). For these reasons, this variant has been classified as Pathogenic. ClinVar contains an entry for this variant (Variation ID: 2203466).

Literature cited by the submitters: PubMed 11181649; PubMed 15359379; PubMed 22642865.

NM_020166.5(MCCC1):c.658_662del (p.Ser220fs)

Gene: MCCC1 (methylcrotonyl-CoA carboxylase subunit 1; minus strand). Cytogenetic location: 3q27.1.
Variant type: Deletion.
Coding change: c.658_662del on transcript NM_020166.5 (MANE Select); coding-DNA positions 658 to 662, 5 bases deleted (TCAGA; older notation c.658_662delTCAGA).
Protein change: p.Ser220fs; shifts the reading frame from serine 220.
Molecular consequence: frameshift variant. On other transcripts: non-coding transcript variant (2).
Genome position (GRCh38, 1-based): chr3:183,071,098-183,071,102, TCTGA deleted on the plus strand (TCAGA on the coding strand, the reverse complement: MCCC1 is on the minus strand); deleting any 5 consecutive bases within chr3:183,071,098-183,071,105 gives the same sequence; the c. name uses the placement nearest the transcript's 3' end. VCF-style (leftmost placement, unchanged base first): chr3-183071097-TTCTGA-T. GRCh37 (hg19) VCF-style: chr3-182788885-TTCTGA-T.
Other names: c.307_311del, p.Ser103fs (NM_001293273.2); c.331_335del, p.Ser111fs (NM_001363880.1); short protein forms S103fs, S220fs, S111fs.
Identifiers: ClinVar variation 2203466 (VCV002203466.4), dbSNP rs1303867228, ClinGen allele CA903588242.